The following is an entry in ClinVar:

ClinVar aggregate classification (germline): Uncertain significance. Review status: criteria provided, multiple submitters, no conflicts (2 of 4 stars). 3 submissions from 3 submitters: Uncertain significance (3). Last evaluated 2026-05-19.

Conditions:
Developmental and epileptic encephalopathy, 53. Also called: Epileptic encephalopathy, early infantile, 53. Identifiers: MedGen C4479313, MONDO:0033362, OMIM 617389.
Early-onset Parkinson disease 20. Also called: PARKINSON DISEASE 20, AUTOSOMAL RECESSIVE EARLY-ONSET. Identifiers: Orphanet 391411, MedGen C3809824, MONDO:0014233, OMIM 615530.
Inborn genetic diseases. Identifiers: MedGen C0950123, MeSH D030342.

Allele frequency attached by ClinVar (database versions not stated): ExAC 0.00001; gnomAD exomes 0.00001; gnomAD 0.00002; TOPMed 0.00002.
gnomAD v4.1: 46 of 1,613,376 alleles (0.0029%); highest among the groups gnomAD compares: Non-Finnish European, 0.0035%; no homozygotes.

Submissions (3):

Ambry Genetics
Classification: Uncertain significance for Inborn genetic diseases. Last evaluated: 2026-05-19. Review status: criteria provided, single submitter. Criteria: Ambry Variant Classification Scheme 2023. Collection method: clinical testing. Allele origin: germline.
Comment: The c.920G>A (p.R307H) alteration is located in exon 7 (coding exon 7) of the SYNJ1 gene. This alteration results from a G to A substitution at nucleotide position 920, causing the arginine (R) at amino acid position 307 to be replaced by a histidine (H). Based on data from gnomAD, the A allele has an overall frequency of 0.001% (2/250448) total alleles studied. The highest observed frequency was 0.002% (2/113300) of European (non-Finnish) alleles. Based on insufficient or conflicting evidence, the clinical significance of this alteration remains unclear.

Labcorp Genetics (formerly Invitae), Labcorp
Classification: Uncertain significance for Developmental and epileptic encephalopathy, 53; Early-onset Parkinson disease 20. Last evaluated: 2022-12-06. Review status: criteria provided, single submitter. Criteria: Invitae Variant Classification Sherloc (09022015). Collection method: clinical testing. Allele origin: germline.
Comment: In summary, the available evidence is currently insufficient to determine the role of this variant in disease. Therefore, it has been classified as a Variant of Uncertain Significance. Advanced modeling of protein sequence and biophysical properties (such as structural, functional, and spatial information, amino acid conservation, physicochemical variation, residue mobility, and thermodynamic stability) performed at Invitae indicates that this missense variant is not expected to disrupt SYNJ1 protein function. ClinVar contains an entry for this variant (Variation ID: 576906). This variant has not been reported in the literature in individuals affected with SYNJ1-related conditions. This variant is present in population databases (rs201796096, gnomAD 0.002%). This sequence change replaces arginine, which is basic and polar, with histidine, which is basic and polar, at codon 307 of the SYNJ1 protein (p.Arg307His).

Centre for Mendelian Genomics, University Medical Centre Ljubljana
Classification: Uncertain significance for Developmental and epileptic encephalopathy, 53. Last evaluated: 2019-01-22. Review status: criteria provided, single submitter. Criteria: ACMG Guidelines, 2015. Collection method: clinical testing. Allele origin: unknown. Affected: yes.
Comment: This variant was classified as: Uncertain significance. The available evidence on this variant's pathogenicity is insufficient or conflicting. The following ACMG criteria were applied in classifying this variant: PM2,PP3.

NM_203446.3(SYNJ1):c.803G>A (p.Arg268His)

Gene: SYNJ1 (synaptojanin 1; minus strand). Cytogenetic location: 21q22.11.
Variant type: single nucleotide variant.
Coding change: c.803G>A on transcript NM_203446.3 (MANE Select); coding-DNA position 803, G replaced by A.
Protein change: p.Arg268His; replaces arginine 268 with histidine.
Molecular consequence: missense variant.
Genome position (GRCh38, 1-based): chr21:32,688,354, C>T on the plus strand (G>A on the coding strand, the complement: SYNJ1 is on the minus strand). VCF-style: chr21-32688354-C-T. GRCh37 (hg19) VCF-style: chr21-34060664-C-T.
Other names: c.803G>A, p.Arg268His (NM_001160302.2, NM_001160306.2); c.920G>A, p.Arg307His (NM_003895.4); short protein forms R307H, R268H.
Identifiers: ClinVar variation 576906 (VCV000576906.13), dbSNP rs201796096, ClinGen allele CA10004037.